The following is an entry in ClinVar:

ClinVar aggregate classification (germline): Uncertain significance (1 of 4 stars; one submission).

Conditions:
Cardiovascular phenotype. Identifiers: MedGen CN230736.

Submission:

Ambry Genetics
Classification: Uncertain significance for Cardiovascular phenotype. Last evaluated: 2025-03-04. Review status: criteria provided, single submitter. Criteria: Ambry Variant Classification Scheme 2023. Collection method: clinical testing. Allele origin: germline.
Comment: The p.E2529G variant (also known as c.7586A>G), located in coding exon 38 of the ANK2 gene, results from an A to G substitution at nucleotide position 7586. The glutamic acid at codon 2529 is replaced by glycine, an amino acid with similar properties. This amino acid position is conserved. In addition, the in silico prediction for this alteration is inconclusive. Based on the available evidence, the clinical significance of this variant remains unclear.

NM_001148.6(ANK2):c.7586A>G (p.Glu2529Gly)

Genes: ANK2 (ankyrin 2; plus strand), LOC126807137 (CDK7 strongly-dependent group 2 enhancer GRCh37_chr4:114276560-114277759; plus strand). Cytogenetic location: 4q26.
Variant type: single nucleotide variant.
Coding change: c.7586A>G on transcript NM_001148.6 (MANE Select); coding-DNA position 7586, A replaced by G.
Protein change: p.Glu2529Gly; replaces glutamic acid 2529 with glycine.
Molecular consequence: missense variant. On other transcripts: intron variant (68).
Genome position (GRCh38, 1-based): chr4:113,356,204, A>G. VCF-style: chr4-113356204-A-G. GRCh37 (hg19) VCF-style: chr4-114277360-A-G.
Other names: c.4166-4619A>G (NM_001354257.2, NM_001386156.1); c.4241-4619A>G (NM_001354249.2, NM_001354266.2, NM_001354276.2 and 2 more transcripts); c.4208-4619A>G (NM_001386146.1, NM_001386150.1, NM_001386149.1 and 1 more transcripts); c.4193-4619A>G (NM_001354274.2, NM_001386154.1); c.4142-4619A>G (NM_001386151.1, NM_001354260.2, NM_001354271.2); c.4043-4619A>G (NM_001386157.1, NM_001354277.2); c.4361-4619A>G (NM_001386161.1, NM_001354244.2, NM_001354256.2); c.4286-4619A>G (NM_001354261.2); and 35 more; short protein forms E2451G, E2529G, E1329G, E2568G, E2576G.
Identifiers: ClinVar variation 3864333 (VCV003864333.1).